The following is an entry in ClinVar:

NM_207361.6(FREM2):c.954C>G (p.Pro318=)

Gene: FREM2 (FRAS1 related extracellular matrix 2; plus strand). Cytogenetic location: 13q13.3.
Variant type: single nucleotide variant.
Coding change: c.954C>G on transcript NM_207361.6 (MANE Select); coding-DNA position 954, C replaced by G.
Protein change: p.Pro318=; no amino-acid change (proline 318 retained).
Molecular consequence: synonymous variant.
Genome position (GRCh38, 1-based): chr13:38,688,298, C>G. VCF-style: chr13-38688298-C-G. GRCh37 (hg19) VCF-style: chr13-39262435-C-G.
Identifiers: ClinVar variation 311943 (VCV000311943.15), dbSNP rs9576597, ClinGen allele CA6954309.

ClinVar aggregate classification (germline): Benign. Review status: criteria provided, multiple submitters, no conflicts (2 of 4 stars). 4 submissions from 4 submitters: Benign (4). Last evaluated 2026-02-04.

Conditions:
Fraser syndrome 2 (FRASRS2). Identifiers: MedGen C4540036, MONDO:0054738, OMIM 617666.

Allele frequency attached by ClinVar (database versions not stated): ESP Exome Variant Server 0.00846; gnomAD exomes 0.01188 and 0.02496; TOPMed 0.01369; gnomAD 0.01462 and 0.01744; ExAC 0.02508; 1000 Genomes Project 30x 0.04341; 1000 Genomes Project 0.04812.
gnomAD v4.1: 20,487 of 1,614,132 alleles (1.3%); highest among the groups gnomAD compares: East Asian, 15%; 759 homozygotes.

Submissions (4):

Labcorp Genetics (formerly Invitae), Labcorp
Classification: Benign. Last evaluated: 2026-02-04. Review status: criteria provided, single submitter. Criteria: Invitae Variant Classification Sherloc (09022015). Collection method: clinical testing. Allele origin: germline.

GeneDx
Classification: Benign. Last evaluated: 2021-06-09. Review status: criteria provided, single submitter. Criteria: GeneDx Variant Classification Process June 2021. Collection method: clinical testing. Allele origin: germline. Affected: yes.

Illumina Laboratory Services, Illumina
Classification: Benign for Fraser syndrome 2. Last evaluated: 2018-01-13. Review status: criteria provided, single submitter. Criteria: ICSL Variant Classification Criteria 13 December 2019. Collection method: clinical testing. Allele origin: germline.
Comment: This variant was observed in the ICSL laboratory as part of a predisposition screen in an ostensibly healthy population. It had not been previously curated by ICSL or reported in the Human Gene Mutation Database (HGMD: prior to June 1st, 2018), and was therefore a candidate for classification through an automated scoring system. Utilizing variant allele frequency, disease prevalence and penetrance estimates, and inheritance mode, an automated score was calculated to assess if this variant is too frequent to cause the disease. Based on the score and internal cut-off values, a variant classified as benign is not then subjected to further curation. The score for this variant resulted in a classification of benign for this disease.

Breakthrough Genomics
Classification: Benign. Review status: criteria provided, single submitter. Criteria: ACMG Guidelines, 2015. Collection method: not provided. Allele origin: germline. Inheritance: Autosomal recessive inheritance. Affected: yes.